The following is an entry in ClinVar:

ClinVar aggregate classification (germline): Uncertain significance (1 of 4 stars; one submission).

Conditions:
Myopathy, proximal, and ophthalmoplegia (CMYO6). Also called: MYOPATHY WITH CONGENITAL JOINT CONTRACTURES, OPHTHALMOPLEGIA, AND RIMMED VACUOLES; INCLUSION BODY MYOPATHY 3, AUTOSOMAL DOMINANT; CONGENITAL MYOPATHY 6 WITH OPHTHALMOPLEGIA. Identifiers: Orphanet 363677, Orphanet 79091, MedGen C1854106, MONDO:0011577, OMIM 605637.

Allele frequency attached by ClinVar (database versions not stated): gnomAD exomes below 0.00001; TOPMed below 0.00001.
gnomAD v4.1: 4 of 1,614,026 alleles (0.00025%); highest among the groups gnomAD compares: Non-Finnish European, 0.00025%; no homozygotes.

Submission:

Labcorp Genetics (formerly Invitae), Labcorp
Classification: Uncertain significance for Myopathy, proximal, and ophthalmoplegia. Last evaluated: 2020-03-06. Review status: criteria provided, single submitter. Criteria: Invitae Variant Classification Sherloc (09022015). Collection method: clinical testing. Allele origin: germline.
Comment: In summary, the available evidence is currently insufficient to determine the role of this variant in disease. Therefore, it has been classified as a Variant of Uncertain Significance. Algorithms developed to predict the effect of sequence changes on RNA splicing suggest that this variant may create or strengthen a splice site, but this prediction has not been confirmed by published transcriptional studies. Algorithms developed to predict the effect of missense changes on protein structure and function are either unavailable or do not agree on the potential impact of this missense change (SIFT: "Deleterious"; PolyPhen-2: "Benign"; Align-GVGD: "Class C0"). This variant has not been reported in the literature in individuals with MYH2-related conditions. This variant is not present in population databases (ExAC no frequency). This sequence change replaces alanine with valine at codon 1480 of the MYH2 protein (p.Ala1480Val). The alanine residue is highly conserved and there is a small physicochemical difference between alanine and valine.

NM_017534.6(MYH2):c.4439C>T (p.Ala1480Val)

Genes: MYH2 (myosin heavy chain 2; minus strand), MYHAS (myosin heavy chain gene cluster antisense RNA; plus strand), LOC126862500 (BRD4-independent group 4 enhancer GRCh37_chr17:10427829-10429028; plus strand). Cytogenetic location: 17p13.1.
Variant type: single nucleotide variant.
Coding change: c.4439C>T on transcript NM_017534.6 (MANE Select); coding-DNA position 4439, C replaced by T.
Protein change: p.Ala1480Val; replaces alanine 1480 with valine.
Molecular consequence: missense variant.
Genome position (GRCh38, 1-based): chr17:10,525,549, G>A on the plus strand (C>T on the coding strand, the complement: MYH2 is on the minus strand). VCF-style: chr17-10525549-G-A. GRCh37 (hg19) VCF-style: chr17-10428866-G-A.
Other names: c.4439C>T, p.Ala1480Val (NM_001100112.2); short protein forms A1480V.
Identifiers: ClinVar variation 942100 (VCV000942100.7), dbSNP rs1303566428, ClinGen allele CA398125837.